The following is an entry in ClinVar:

NM_000257.4(MYH7):c.5005_5007del (p.Glu1669del)

Genes: MHRT (myosin heavy chain associated RNA transcript; plus strand), MYH7 (myosin heavy chain 7; minus strand), LOC126861897 (BRD4-independent group 4 enhancer GRCh37_chr14:23884455-23885654; plus strand). Cytogenetic location: 14q11.2.
Variant type: Deletion.
Coding change: c.5005_5007del on transcript NM_000257.4 (MANE Select); coding-DNA positions 5005 to 5007, 3 bases deleted (GAG; older notation c.5005_5007delGAG).
Protein change: p.Glu1669del; deletes glutamic acid 1669.
Molecular consequence: inframe deletion. On other transcripts: non-coding transcript variant (1).
Genome position (GRCh38, 1-based): chr14:23,415,779-23,415,781, CTC deleted on the plus strand (GAG on the coding strand, the reverse complement: MYH7 is on the minus strand); deleting any 3 consecutive bases within chr14:23,415,779-23,415,783 gives the same sequence; the c. name uses the placement nearest the transcript's 3' end. VCF-style (leftmost placement, unchanged base first): chr14-23415778-TCTC-T. GRCh37 (hg19) VCF-style: chr14-23884987-TCTC-T.
Other names: c.5005_5007del, p.Glu1669del (LRG_384t1); c.5005_5007delGAG (NM_000257.2); c.5005_5007del (NM_000257.2); short protein forms E1669del.
Identifiers: ClinVar variation 143216 (VCV000143216.14), dbSNP rs587779394, ClinGen allele CA015545.

ClinVar aggregate classification (germline): Conflicting classifications of pathogenicity. Review status: criteria provided, conflicting classifications (1 of 4 stars). 4 submissions from 4 submitters: Likely pathogenic (1); Uncertain significance (2). 1 of the submissions does not count toward it. Last evaluated 2023-12-27.

Conditions:
MYH7-related disorder. Also called: MYH7-related condition; MYH7-related disease; MYH7-related disorders.
MYH7-related skeletal myopathy. Also called: MYOPATHY, DISTAL, EARLY-ONSET, AUTOSOMAL DOMINANT; MYOPATHY, LATE DISTAL HEREDITARY; Laing distal myopathy; Laing early-onset distal myopathy; Myopathy, distal, 1. Identifiers: Orphanet 59135, MedGen C4552004, MONDO:0008050, OMIM 160500.
Hypertrophic cardiomyopathy. Also called: HYPERTROPHIC MYOCARDIOPATHY. Identifiers: Orphanet 217569, MedGen C0007194, MeSH D002312, MONDO:0005045, HP:0001639.

Submissions (4):

Labcorp Genetics (formerly Invitae), Labcorp
Classification: Uncertain significance for Hypertrophic cardiomyopathy. Last evaluated: 2023-12-27. Review status: criteria provided, single submitter. Criteria: Invitae Variant Classification Sherloc (09022015). Collection method: clinical testing. Allele origin: germline.
Comment: This variant, c.5005_5007del, results in the deletion of 1 amino acid(s) of the MYH7 protein (p.Glu1669del), but otherwise preserves the integrity of the reading frame. This variant is not present in population databases (gnomAD no frequency). This variant has been observed in individual(s) with distal myopathy (PMID: 24664454). ClinVar contains an entry for this variant (Variation ID: 143216). Experimental studies and prediction algorithms are not available or were not evaluated, and the functional significance of this variant is currently unknown. In summary, the available evidence is currently insufficient to determine the role of this variant in disease. Therefore, it has been classified as a Variant of Uncertain Significance.

Revvity Omics, Revvity
Classification: Uncertain significance. Last evaluated: 2020-10-08. Review status: criteria provided, single submitter. Criteria: ACMG Guidelines, 2015. Collection method: clinical testing. Allele origin: germline.

Blueprint Genetics
Classification: Likely pathogenic for MYH7-related disorders. Last evaluated: 2020-06-16. Review status: criteria provided, single submitter. Criteria: ACMG Guidelines, 2015. Collection method: clinical testing. Allele origin: germline. Affected: yes. Observed: 2 variant alleles.

Neurogenetics Laboratory, Royal Perth Hospital
Classification: Pathogenic for Myopathy, distal, 1. Last evaluated: 2013-01-01. Review status: no assertion criteria provided. Collection method: clinical testing. Allele origin: germline. Inheritance: Autosomal dominant inheritance. Affected: yes. Observed: 7 variant alleles. Not counted in ClinVar's aggregate classification.

Literature cited by the submitters: PubMed 24664454 (cited by Labcorp Genetics (formerly Invitae), Labcorp and Neurogenetics Laboratory, Royal Perth Hospital).